The following is an entry in ClinVar:

NM_001018115.3(FANCD2):c.2385+6C>T

Genes: FANCD2 (FA complementation group D2; plus strand), LOC107303338 (3p25 FANCD2 Alu-mediated recombination region; plus strand). Cytogenetic location: 3p25.3.
Variant type: single nucleotide variant.
Coding change: c.2385+6C>T on transcript NM_001018115.3 (MANE Select); 6 bases into the intron after coding-DNA position 2385, C replaced by T.
Molecular consequence: intron variant.
Genome position (GRCh38, 1-based): chr3:10,065,985, C>T. VCF-style: chr3-10065985-C-T. GRCh37 (hg19) VCF-style: chr3-10107669-C-T.
Other names: c.2385+6C>T (NM_001319984.2, NM_033084.6, NM_001374254.1); c.2274+6C>T (NM_001374253.1).
Identifiers: ClinVar variation 2104928 (VCV002104928.4), dbSNP rs2125037273, ClinGen allele CA2580068380.

ClinVar aggregate classification (germline): Uncertain significance (1 of 4 stars; one submission).

Conditions:
Fanconi anemia (FA). Also called: Fanconi's anemia. Identifiers: Orphanet 84, MedGen C0015625, MeSH D005199, MONDO:0019391.

Submission:

Labcorp Genetics (formerly Invitae), Labcorp
Classification: Uncertain significance for Fanconi anemia. Last evaluated: 2022-03-01. Review status: criteria provided, single submitter. Criteria: Invitae Variant Classification Sherloc (09022015). Collection method: clinical testing. Allele origin: germline.
Comment: This sequence change falls in intron 25 of the FANCD2 gene. It does not directly change the encoded amino acid sequence of the FANCD2 protein. It affects a nucleotide within the consensus splice site. This variant is not present in population databases (gnomAD no frequency). This variant has not been reported in the literature in individuals affected with FANCD2-related conditions. Variants that disrupt the consensus splice site are a relatively common cause of aberrant splicing (PMID: 17576681, 9536098). Algorithms developed to predict the effect of sequence changes on RNA splicing suggest that this variant is not likely to affect RNA splicing. In summary, the available evidence is currently insufficient to determine the role of this variant in disease. Therefore, it has been classified as a Variant of Uncertain Significance.

Literature cited by the submitters: PubMed 17576681; PubMed 9536098.